The following is an entry in ClinVar:

NM_003722.5(TP63):c.*2345C>T

Gene: TP63 (tumor protein p63; plus strand). Cytogenetic location: 3q28.
Variant type: single nucleotide variant.
Coding change: c.*2345C>T on transcript NM_003722.5 (MANE Select); 2345 bases downstream of the stop codon, C replaced by T.
Molecular consequence: 3 prime UTR variant.
Genome position (GRCh38, 1-based): chr3:189,896,847, C>T. VCF-style: chr3-189896847-C-T. GRCh37 (hg19) VCF-style: chr3-189614636-C-T.
Other names: c.*2626C>T (NM_001114978.2, NM_001114981.2); c.*2345C>T (NM_001114980.2, NM_001329146.2, NM_001329148.2 and 1 more transcripts); c.*2616C>T (NM_001329144.2, NM_001329145.2, NM_001329149.2 and 1 more transcripts).
Identifiers: ClinVar variation 344431 (VCV000344431.9), dbSNP rs35592567, ClinGen allele CA10617834.

ClinVar aggregate classification (germline): Benign. Review status: criteria provided, multiple submitters, no conflicts (2 of 4 stars). 5 submissions from 3 submitters: Benign (5). Last evaluated 2021-05-19.

Conditions:
Ectrodactyly, ectodermal dysplasia, and cleft lip-palate syndrome 3. Also called: Ectrodactyly, Ectodermal Dysplasia, Clefting Syndrome; EEC SYNDROME 3; Ectrodactyly, Ectodermal Dysplasia, Clefting Syndrome Type 3 (EEC3); Ectrodactyly, Ectodermal Dysplasia, Cleft Lip/Palate Syndrome 3 (EEC3). Identifiers: Orphanet 1896, MedGen C1858562, MONDO:0011428, OMIM 604292.
TP63-Related Spectrum Disorders.
Orofacial cleft 8. Also called: Cleft lip with or without cleft palate, nonsyndromic, 8. Identifiers: MedGen C1851878, MONDO:0029145, OMIM 618149.

Allele frequency attached by ClinVar (database versions not stated): 1000 Genomes Project 0.19289; 1000 Genomes Project 30x 0.19425; TOPMed 0.19826; gnomAD exomes 0.19933; gnomAD 0.20511 and 0.20615.
gnomAD v4.1: 43,527 of 213,336 alleles (20%); highest among the groups gnomAD compares: Middle Eastern, 25%; 4,473 homozygotes.

Submissions (5):

GeneDx
Classification: Benign. Last evaluated: 2021-05-19. Review status: criteria provided, single submitter. Criteria: GeneDx Variant Classification Process June 2021. Collection method: clinical testing. Allele origin: germline. Affected: yes.
Comment: This variant is associated with the following publications: (PMID: 29763931, 26695686)

Illumina Laboratory Services, Illumina
Classification: Benign for Orofacial cleft 8. Last evaluated: 2018-01-13. Review status: criteria provided, single submitter. Criteria: ICSL Variant Classification Criteria 13 December 2019. Collection method: clinical testing. Allele origin: germline.
Comment: This variant was observed in the ICSL laboratory as part of a predisposition screen in an ostensibly healthy population. It had not been previously curated by ICSL or reported in the Human Gene Mutation Database (HGMD: prior to June 1st, 2018), and was therefore a candidate for classification through an automated scoring system. Utilizing variant allele frequency, disease prevalence and penetrance estimates, and inheritance mode, an automated score was calculated to assess if this variant is too frequent to cause the disease. Based on the score and internal cut-off values, a variant classified as benign is not then subjected to further curation. The score for this variant resulted in a classification of benign for this disease.

Illumina Laboratory Services, Illumina
Classification: Benign for Ectrodactyly, ectodermal dysplasia, and cleft lip-palate syndrome 3. Last evaluated: 2018-01-13. Review status: criteria provided, single submitter. Criteria: ICSL Variant Classification Criteria 13 December 2019. Collection method: clinical testing. Allele origin: germline.
Comment: the same text as in the submission from Illumina Laboratory Services, Illumina above.

Illumina Laboratory Services, Illumina
Classification: Benign for TP63-Related Spectrum Disorders. Last evaluated: 2018-01-13. Review status: criteria provided, single submitter. Criteria: ICSL Variant Classification Criteria 13 December 2019. Collection method: clinical testing. Allele origin: germline.
Comment: the same text as in the submission from Illumina Laboratory Services, Illumina above.

Breakthrough Genomics
Classification: Benign. Review status: criteria provided, single submitter. Criteria: ACMG Guidelines, 2015. Collection method: not provided. Allele origin: germline. Inheritance: Autosomal dominant inheritance. Affected: yes.